The following is an entry in ClinVar:

NM_001197104.2(KMT2A):c.8717C>A (p.Thr2906Lys)

Gene: KMT2A (lysine methyltransferase 2A; plus strand). Cytogenetic location: 11q23.3.
Variant type: single nucleotide variant.
Coding change: c.8717C>A on transcript NM_001197104.2 (MANE Select); coding-DNA position 8717, C replaced by A.
Protein change: p.Thr2906Lys; replaces threonine 2906 with lysine.
Molecular consequence: missense variant.
Genome position (GRCh38, 1-based): chr11:118,504,609, C>A. VCF-style: chr11-118504609-C-A. GRCh37 (hg19) VCF-style: chr11-118375324-C-A.
Other names: c.8807C>A, p.Thr2936Lys (NM_001412597.1); c.8708C>A, p.Thr2903Lys (NM_005933.4); short protein forms T2936K, T2906K, T2903K.
Identifiers: ClinVar variation 2859572 (VCV002859572.3), dbSNP rs2497011861, ClinGen allele CA382815713.

ClinVar aggregate classification (germline): Uncertain significance (1 of 4 stars; one submission).

Submission:

Labcorp Genetics (formerly Invitae), Labcorp
Classification: Uncertain significance. Last evaluated: 2023-04-26. Review status: criteria provided, single submitter. Criteria: Invitae Variant Classification Sherloc (09022015). Collection method: clinical testing. Allele origin: germline.
Comment: This sequence change replaces threonine, which is neutral and polar, with lysine, which is basic and polar, at codon 2906 of the KMT2A protein (p.Thr2906Lys). In summary, the available evidence is currently insufficient to determine the role of this variant in disease. Therefore, it has been classified as a Variant of Uncertain Significance. Advanced modeling of protein sequence and biophysical properties (such as structural, functional, and spatial information, amino acid conservation, physicochemical variation, residue mobility, and thermodynamic stability) performed at Invitae indicates that this missense variant is not expected to disrupt KMT2A protein function. This variant has not been reported in the literature in individuals affected with KMT2A-related conditions. This variant is not present in population databases (gnomAD no frequency).